The following is an entry in ClinVar:

NM_001035.3(RYR2):c.490C>T (p.Pro164Ser)

Gene: RYR2 (ryanodine receptor 2; plus strand). Cytogenetic location: 1q43.
Variant type: single nucleotide variant.
Coding change: c.490C>T on transcript NM_001035.3 (MANE Select); coding-DNA position 490, C replaced by T.
Protein change: p.Pro164Ser; replaces proline 164 with serine.
Molecular consequence: missense variant.
Genome position (GRCh38, 1-based): chr1:237,377,349, C>T. VCF-style: chr1-237377349-C-T. GRCh37 (hg19) VCF-style: chr1-237540649-C-T.
Other names: short protein forms P164S.
Identifiers: ClinVar variation 2203006 (VCV002203006.4), dbSNP rs764772142, ClinGen allele CA345375479.

ClinVar aggregate classification (germline): Pathogenic (1 of 4 stars; one submission).

Conditions:
Catecholaminergic polymorphic ventricular tachycardia 1. Also called: VENTRICULAR TACHYCARDIA, STRESS-INDUCED POLYMORPHIC 1; VENTRICULAR TACHYCARDIA, CATECHOLAMINERGIC POLYMORPHIC, 1, WITH OR WITHOUT ATRIAL DYSFUNCTION AND/OR DILATED CARDIOMYOPATHY; RYR2-Related Catecholaminergic Polymorphic Ventricular Tachycardia. Identifiers: Orphanet 3286, MedGen C1631597, MONDO:0011484, OMIM 604772.

Submission:

Labcorp Genetics (formerly Invitae), Labcorp
Classification: Pathogenic for Catecholaminergic polymorphic ventricular tachycardia 1. Last evaluated: 2022-07-30. Review status: criteria provided, single submitter. Criteria: Invitae Variant Classification Sherloc (09022015). Collection method: clinical testing. Allele origin: germline.
Comment: For these reasons, this variant has been classified as Pathogenic. Advanced modeling of protein sequence and biophysical properties (such as structural, functional, and spatial information, amino acid conservation, physicochemical variation, residue mobility, and thermodynamic stability) performed at Invitae indicates that this missense variant is expected to disrupt RYR2 protein function. This missense change has been observed in individual(s) with catecholaminergic polymorphic ventricular tachycardia (PMID: 16818210, 29132927). This variant is not present in population databases (gnomAD no frequency). This sequence change replaces proline, which is neutral and non-polar, with serine, which is neutral and polar, at codon 164 of the RYR2 protein (p.Pro164Ser).

Literature cited by the submitters: PubMed 16818210; PubMed 29132927.